The following is an entry in ClinVar:

NM_000018.4(ACADVL):c.1508G>C (p.Gly503Ala)

Gene: ACADVL (acyl-CoA dehydrogenase very long chain; plus strand). Cytogenetic location: 17p13.1.
Variant type: single nucleotide variant.
Coding change: c.1508G>C on transcript NM_000018.4 (MANE Select); coding-DNA position 1508, G replaced by C.
Protein change: p.Gly503Ala; replaces glycine 503 with alanine.
Molecular consequence: missense variant.
Genome position (GRCh38, 1-based): chr17:7,224,219, G>C. VCF-style: chr17-7224219-G-C. GRCh37 (hg19) VCF-style: chr17-7127538-G-C.
Other names: c.1442G>C, p.Gly481Ala (NM_001033859.3); c.1577G>C, p.Gly526Ala (NM_001270447.2); c.1280G>C, p.Gly427Ala (NM_001270448.2); short protein forms G481A, G526A, G427A, G503A.
Identifiers: ClinVar variation 1429146 (VCV001429146.6), dbSNP rs2142987050, ClinGen allele CA397725269.

ClinVar aggregate classification (germline): Uncertain significance (1 of 4 stars; one submission).

Conditions:
Very long chain acyl-CoA dehydrogenase deficiency (ACADVLD). Also called: VLCAD Deficiency; Very Long-Chain Acyl-Coenzyme A Dehydrogenase Deficiency. Identifiers: Orphanet 26793, MedGen C3887523, MONDO:0008723, OMIM 201475.

Submission:

Labcorp Genetics (formerly Invitae), Labcorp
Classification: Uncertain significance for Very long chain acyl-CoA dehydrogenase deficiency. Last evaluated: 2021-10-25. Review status: criteria provided, single submitter. Criteria: Invitae Variant Classification Sherloc (09022015). Collection method: clinical testing. Allele origin: germline.
Comment: In summary, the available evidence is currently insufficient to determine the role of this variant in disease. Therefore, it has been classified as a Variant of Uncertain Significance. Algorithms developed to predict the effect of missense changes on protein structure and function (SIFT, PolyPhen-2, Align-GVGD) all suggest that this variant is likely to be tolerated. This variant has not been reported in the literature in individuals affected with ACADVL-related conditions. This variant is not present in population databases (gnomAD no frequency). This sequence change replaces glycine, which is neutral and non-polar, with alanine, which is neutral and non-polar, at codon 503 of the ACADVL protein (p.Gly503Ala).